The following is an entry in ClinVar:

NC_000023.10:g.(?_70338585)_(70362088_?)dup

Gene: MED12 (mediator complex subunit 12; plus strand). Cytogenetic location: Xq13.1.
Variant type: Duplication.
Identifiers: ClinVar variation 1447595 (VCV001447595.1).

ClinVar aggregate classification (germline): Uncertain significance (1 of 4 stars; one submission).

Conditions:
FG syndrome 1 (OKS). Also called: OPITZ-KAVEGGIA SYNDROME; KELLER SYNDROME; MENTAL RETARDATION, LARGE HEAD, IMPERFORATE ANUS, CONGENITAL HYPOTONIA, AND PARTIAL AGENESIS OF CORPUS CALLOSUM; FG Syndrome Type 1 (FGS1). Identifiers: Orphanet 93932, MedGen C5399762, MONDO:0010590, OMIM 305450.

Submission:

Labcorp Genetics (formerly Invitae), Labcorp
Classification: Uncertain significance for FG syndrome. Last evaluated: 2021-06-05. Review status: criteria provided, single submitter. Criteria: Invitae Variant Classification Sherloc (09022015). Collection method: clinical testing. Allele origin: germline.
Comment: A copy number gain of the genomic region encompassing the full coding sequence of the MED12 gene has been identified. The boundaries of this event are unknown as they extend beyond the assayed region for this gene and therefore may encompass additional genes. As the precise location of this event is unknown, it may be in tandem or it may be located elsewhere in the genome. This variant has not been reported in the literature in individuals with MED12-related conditions. Experimental studies and prediction algorithms are not available or were not evaluated, and the functional significance of this variant is currently unknown. In summary, the available evidence is currently insufficient to determine the role of this variant in disease. Therefore, it has been classified as a Variant of Uncertain Significance.